The following is an entry in ClinVar:

NM_000429.3(MAT1A):c.799A>G (p.Ile267Val)

Gene: MAT1A (methionine adenosyltransferase 1A; minus strand). Cytogenetic location: 10q22.3.
Variant type: single nucleotide variant.
Coding change: c.799A>G on transcript NM_000429.3 (MANE Select); coding-DNA position 799, A replaced by G.
Protein change: p.Ile267Val; replaces isoleucine 267 with valine.
Molecular consequence: missense variant.
Genome position (GRCh38, 1-based): chr10:80,275,169, T>C on the plus strand (A>G on the coding strand, the complement: MAT1A is on the minus strand). VCF-style: chr10-80275169-T-C. GRCh37 (hg19) VCF-style: chr10-82034925-T-C.
Other names: short protein forms I267V.
Identifiers: ClinVar variation 4771414 (VCV004771414.1).

ClinVar aggregate classification (germline): Uncertain significance (1 of 4 stars; one submission).

Conditions:
Hepatic methionine adenosyltransferase deficiency. Also called: Isolated Persistent Hypermethioninemia; Methionine adenosyltransferase deficiency; MAT I/III DEFICIENCY; Deficiency of methionine adenosyltransferase. Identifiers: Orphanet 168598, MedGen C0268621, MeSH C564683, MONDO:0009607, OMIM 250850.

gnomAD v4.1: 1 of 1,613,546 alleles (0.000062%); no homozygotes.

Submission:

Labcorp Genetics (formerly Invitae), Labcorp
Classification: Uncertain significance for Hepatic methionine adenosyltransferase deficiency. Last evaluated: 2025-09-18. Review status: criteria provided, single submitter. Criteria: Invitae Variant Classification Sherloc (09022015). Collection method: clinical testing. Allele origin: germline.
Comment: This sequence change replaces isoleucine, which is neutral and non-polar, with valine, which is neutral and non-polar, at codon 267 of the MAT1A protein (p.Ile267Val). This variant is not present in population databases (gnomAD no frequency). This variant has not been reported in the literature in individuals affected with MAT1A-related conditions. Invitae Evidence Modeling of protein sequence and biophysical properties (such as structural, functional, and spatial information, amino acid conservation, physicochemical variation, residue mobility, and thermodynamic stability) indicates that this missense variant is not expected to disrupt MAT1A protein function with a negative predictive value of 80%. In summary, the available evidence is currently insufficient to determine the role of this variant in disease. Therefore, it has been classified as a Variant of Uncertain Significance.